The following is an entry in ClinVar:

ClinVar aggregate classification (germline): Uncertain significance (1 of 4 stars; one submission).

Conditions:
Epileptic encephalopathy. Identifiers: MedGen C0543888, HP:0200134.

Allele frequency attached by ClinVar (database versions not stated): gnomAD exomes below 0.00001; gnomAD 0.00001; TOPMed 0.00001.
gnomAD v4.1: 6 of 1,606,348 alleles (0.00037%); highest among the groups gnomAD compares: East Asian, 0.0022%; no homozygotes.

Submission:

Labcorp Genetics (formerly Invitae), Labcorp
Classification: Uncertain significance for Epileptic encephalopathy. Last evaluated: 2019-09-24. Review status: criteria provided, single submitter. Criteria: Invitae Variant Classification Sherloc (09022015). Collection method: clinical testing. Allele origin: germline.
Comment: This sequence change replaces histidine with arginine at codon 417 of the FASN protein (p.His417Arg). The histidine residue is weakly conserved and there is a small physicochemical difference between histidine and arginine. This variant is not present in population databases (ExAC no frequency). This variant has not been reported in the literature in individuals with FASN-related conditions. Algorithms developed to predict the effect of missense changes on protein structure and function (SIFT, PolyPhen-2, Align-GVGD) all suggest that this variant is likely to be tolerated, but these predictions have not been confirmed by published functional studies and their clinical significance is uncertain. In summary, the available evidence is currently insufficient to determine the role of this variant in disease. Therefore, it has been classified as a Variant of Uncertain Significance.

NM_004104.5(FASN):c.1250A>G (p.His417Arg)

Gene: FASN (fatty acid synthase; minus strand). Cytogenetic location: 17q25.3.
Variant type: single nucleotide variant.
Coding change: c.1250A>G on transcript NM_004104.5 (MANE Select); coding-DNA position 1250, A replaced by G.
Protein change: p.His417Arg; replaces histidine 417 with arginine.
Molecular consequence: missense variant.
Genome position (GRCh38, 1-based): chr17:82,091,464, T>C on the plus strand (A>G on the coding strand, the complement: FASN is on the minus strand). VCF-style: chr17-82091464-T-C. GRCh37 (hg19) VCF-style: chr17-80049340-T-C.
Other names: short protein forms H417R.
Identifiers: ClinVar variation 964456 (VCV000964456.1), dbSNP rs1417800671, ClinGen allele CA401560823.